The following is an entry in ClinVar:

ClinVar aggregate classification (germline): Conflicting classifications of pathogenicity. Review status: criteria provided, conflicting classifications (1 of 4 stars). 24 submissions from 22 submitters: Uncertain significance (2); Likely benign (12). 10 of the submissions do not count toward it. Last evaluated 2026-05-01.

Conditions:
Cardiomyopathy, dilated, 1MM (CMD1MM). Identifiers: MedGen C3809346, MONDO:0800368.
Cardiovascular phenotype. Identifiers: MedGen CN230736.
Left ventricular noncompaction 10 (LVNC10). Identifiers: Orphanet 154, Orphanet 54260, MedGen C3715165, MONDO:0014163, OMIM 615396.
Paroxysmal atrial fibrillation. Identifiers: MedGen C0235480, MONDO:1030011, HP:0004757.
Cardiomyopathy (CMYO). Also called: Cardiomyopathies. Identifiers: Orphanet 167848, MedGen C0878544, MONDO:0004994, HP:0001638. Inheritance: Various modes of inheritance.
Hypertrophic cardiomyopathy 4. Also called: Familial hypertrophic cardiomyopathy 4. Identifiers: MedGen C1861862, MONDO:0007268, OMIM 115197.
Primary familial hypertrophic cardiomyopathy (HCM). Identifiers: Orphanet 99739, MedGen C0949658, MeSH D024741, MONDO:0024573. Inheritance: Various modes of inheritance.
Primary dilated cardiomyopathy (DCM). Also called: Dilated Cardiomyopathy. Identifiers: Orphanet 217604, MedGen C0007193, MeSH D002311, MONDO:0005021, HP:0001644. Inheritance: Various modes of inheritance.
Hypertrophic cardiomyopathy. Also called: HYPERTROPHIC MYOCARDIOPATHY. Identifiers: Orphanet 217569, MedGen C0007194, MeSH D002312, MONDO:0005045, HP:0001639.

Allele frequency attached by ClinVar (database versions not stated): gnomAD 0.00118 and 0.00122; gnomAD exomes 0.00150 and 0.00187; TOPMed 0.00110; ESP Exome Variant Server 0.00117; ExAC 0.00168.

Submissions 1 to 19 of 24:

CeGaT Center for Human Genetics Tuebingen
Classification: Likely benign. Last evaluated: 2026-05-01. Review status: criteria provided, single submitter. Criteria: CeGaT Center For Human Genetics Tuebingen Variant Classification Criteria Version 2. Collection method: clinical testing. Allele origin: germline. Affected: yes. Observed: 7 variant alleles.
Comment: MYBPC3: BS2

Labcorp Genetics (formerly Invitae), Labcorp
Classification: Likely benign for Hypertrophic cardiomyopathy. Last evaluated: 2026-02-04. Review status: criteria provided, single submitter. Criteria: Invitae Variant Classification Sherloc (09022015). Collection method: clinical testing. Allele origin: germline.

ARUP Laboratories, Molecular Genetics and Genomics, ARUP Laboratories
Classification: Likely benign. Last evaluated: 2025-07-01. Review status: criteria provided, single submitter. Criteria: ARUP Molecular Germline Variant Investigation Process 2024. Collection method: clinical testing. Allele origin: germline.

Molecular Diagnostic Laboratory for Inherited Cardiovascular Disease, Montreal Heart Institute
Classification: Likely benign. Last evaluated: 2025-04-09. Review status: criteria provided, single submitter. Criteria: ACMG Guidelines, 2015. Collection method: clinical testing. Allele origin: germline. Affected: no.

Women's Health and Genetics/Laboratory Corporation of America, LabCorp
Classification: Likely benign. Last evaluated: 2025-02-18. Review status: criteria provided, single submitter. Criteria: LabCorp Variant Classification Summary - May 2015. Collection method: clinical testing. Allele origin: germline.
Comment: Variant summary: MYBPC3 c.2497G>A (p.Ala833Thr) results in a non-conservative amino acid change located in the Fibronectin type-III domain (IPR003961) of the encoded protein sequence. Three of four in-silico tools predict a damaging effect of the variant on protein function. The variant allele was found at a frequency of 0.0015 in 249150 control chromosomes. The observed variant frequency is approximately 2-fold of the estimated maximal expected allele frequency for a pathogenic variant in MYBPC3 causing Hypertrophic Cardiomyopathy phenotype (0.001). c.2497G>A has been reported in the literature in individuals affected with Hypertrophic Cardiomyopathy, without strong evidence for causality (example, Morner_2003, Oakley_2004, Brion_2012). These report(s) do not provide unequivocal conclusions about association of the variant with Hypertrophic Cardiomyopathy. To our knowledge, no experimental evidence demonstrating an impact on protein function has been reported. The following publications have been ascertained in the context of this evaluation (PMID: 12818575, 14563344, 15114369, 15166115, 15115610, 15519027, 12566107, 18761664, 23396983, 22361390, 23299917, 20215591, 22194935, 24055113, 24503780). ClinVar contains an entry for this variant (Variation ID: 42626). Based on the evidence outlined above, the variant was classified as likely benign.

Mayo Clinic Laboratories, Mayo Clinic
Classification: Likely benign. Last evaluated: 2024-12-26. Review status: criteria provided, single submitter. Criteria: ACMG Guidelines, 2015. Collection method: clinical testing. Allele origin: germline. Observed: 8 variant alleles.
Comment: BS1, BS4_supporting, BP4

CHEO Genetics Diagnostic Laboratory, Children's Hospital of Eastern Ontario
Classification: Likely benign for Cardiomyopathy. Last evaluated: 2023-03-06. Review status: criteria provided, single submitter. Criteria: ACMG Guidelines, 2015. Collection method: clinical testing. Allele origin: germline.

GeneDx
Classification: Likely benign. Last evaluated: 2022-05-10. Review status: criteria provided, single submitter. Criteria: GeneDx Variant Classification Process June 2021. Collection method: clinical testing. Allele origin: germline. Affected: yes.
Comment: See Variant Classification Assertion Criteria.

Ambry Genetics
Classification: Likely benign for Cardiovascular phenotype. Last evaluated: 2019-03-26. Review status: criteria provided, single submitter. Criteria: Ambry Variant Classification Scheme 2023. Collection method: clinical testing. Allele origin: germline.

Equipe Genetique des Anomalies du Developpement, Université de Bourgogne
Classification: Uncertain significance for Left ventricular noncompaction 10. Last evaluated: 2018-11-21. Review status: criteria provided, single submitter. Criteria: ACMG Guidelines, 2015. Collection method: clinical testing. Allele origin: unknown.

Color Diagnostics, LLC DBA Color Health
Classification: Likely benign for Cardiomyopathy. Last evaluated: 2018-03-23. Review status: criteria provided, single submitter. Criteria: ACMG Guidelines, 2015. Collection method: clinical testing. Allele origin: germline.

Illumina Laboratory Services, Illumina
Classification: Uncertain significance for Hypertrophic cardiomyopathy 4. Last evaluated: 2018-03-22. Review status: criteria provided, single submitter. Criteria: ICSL Variant Classification Criteria 13 December 2019. Collection method: clinical testing. Allele origin: germline.
Comment: This variant was observed as part of a predisposition screen in an ostensibly healthy population. A literature search was performed for the gene, cDNA change, and amino acid change (where applicable). Publications were found based on this search. However, the evidence from the literature, in combination with allele frequency data from public databases where available, was not sufficient to rule this variant in or out of causing disease. Therefore, this variant is classified as a variant of unknown significance.

Laboratory for Molecular Medicine, Mass General Brigham Personalized Medicine
Classification: Likely benign. Last evaluated: 2015-10-27. Review status: criteria provided, single submitter. Criteria: LMM Criteria. Collection method: clinical testing. Allele origin: germline. Observed: 18 variant alleles.
Comment: p.Ala833Thr in exon 25 of MYBPC3: The significance of this variant was initially debated, as it was reported in 4 individuals with HCM, 3 of whom carried a seco nd variant (Morner 2003, Alders 2003, Andersen 2004, Van Driest 2004). Our labor atory has identified this variant in multiple individuals with various types of cardiomyopathies (HCM, DCM, and LVNC), some of whom also carried a second varian t. The frequent occurrence of a variant in conjunction with additional disease-c ausing variants argues against a pathogenic role when present in isolation as do es its identification in individuals with HCM, LVNC and DCM as these cardiomyopa thies are caused by different defects at the cellular level. Finally, this varia nt has been identified in 0.2% (182/66666) of European chromosomes by the Exome Aggregation Consortium (ExAC; dbSNP rs199865688) . In summary, the overall evidence suggests that the p.Ala833Thr variant is like ly benign, though we cannot rule out that it may modify disease severity when pr esent with other cardiomyopathy variants.

Biesecker Lab/Clinical Genomics Section, National Institutes of Health
Classification: Likely benign for Cardiomyopathy, hypertrophic. Last evaluated: 2013-06-24. Review status: criteria provided, single submitter. Criteria: Ng et al. (Circ Cardiovasc Genet. 2013). Collection method: research. Allele origin: unknown. Observed: 3 variant alleles. Study: ClinSeq.
Comment: The study set was not selected for affection status in relation to any cancer. Pathogenicity categories were based on literature curation. See Pubmed ID:23861362 for details.

Medical sequencing

Blueprint Genetics
Classification: Likely benign for Paroxysmal atrial fibrillation. Last evaluated: 2014-09-04. Review status: no assertion criteria provided. Collection method: clinical testing. Allele origin: germline. Affected: yes. Observed: 1 variant allele. Not counted in ClinVar's aggregate classification.

Blueprint Genetics
Classification: Likely benign for Primary dilated cardiomyopathy. Last evaluated: 2014-09-04. Review status: no assertion criteria provided. Collection method: clinical testing. Allele origin: germline. Affected: yes. Observed: 1 variant allele. Not counted in ClinVar's aggregate classification.

CSER _CC_NCGL, University of Washington
Classification: Likely benign for Cardiomyopathy, hypertrophic. Last evaluated: 2014-06-01. Review status: no assertion criteria provided. Collection method: research. Allele origin: germline. Inheritance: Autosomal dominant inheritance. Study: ESP 6500 variant annotation. Not counted in ClinVar's aggregate classification.
Comment: Variants classified for the Actionable exomic incidental findings in 6503 participants: challenges of variant classification manuscript

OMIM
Classification: Pathogenic for CARDIOMYOPATHY, DILATED, 1MM. Last evaluated: 2010-04-01. Review status: no assertion criteria provided. Collection method: literature only. Allele origin: germline. Not counted in ClinVar's aggregate classification.

OMIM
Classification: Pathogenic for CARDIOMYOPATHY, FAMILIAL HYPERTROPHIC, 4. Last evaluated: 2010-04-01. Review status: no assertion criteria provided. Collection method: literature only. Allele origin: germline. Not counted in ClinVar's aggregate classification.

NM_000256.3(MYBPC3):c.2497G>A (p.Ala833Thr)

Gene: MYBPC3 (myosin binding protein C3; minus strand). Cytogenetic location: 11p11.2.
Variant type: single nucleotide variant.
Coding change: c.2497G>A on transcript NM_000256.3 (MANE Select); coding-DNA position 2497, G replaced by A.
Protein change: p.Ala833Thr; replaces alanine 833 with threonine.
Molecular consequence: missense variant.
Genome position (GRCh38, 1-based): chr11:47,337,496, C>T on the plus strand (G>A on the coding strand, the complement: MYBPC3 is on the minus strand). VCF-style: chr11-47337496-C-T. GRCh37 (hg19) VCF-style: chr11-47359047-C-T.
Other names: p.A833T:GCG>ACG; short protein forms A833T.
Identifiers: ClinVar variation 42626 (VCV000042626.84), dbSNP rs199865688, ClinGen allele CA012381.